The following is an entry in ClinVar:

ClinVar aggregate classification (germline): Uncertain significance (1 of 4 stars; one submission).

Conditions:
POLG-related disorder. Also called: POLG-related condition; POLG-Related Disorders; POLG-Related Spectrum Disorders. Identifiers: MedGen C4763519.

Submission:

Myriad Genetics, Inc.
Classification: Uncertain significance for POLG-related disorder. Last evaluated: 2026-05-11. Review status: criteria provided, single submitter. Criteria: Myriad Autosomal Dominant, Autosomal Recessive and X-Linked Classification Criteria (2023). Collection method: clinical testing. Allele origin: unknown.
Comment: NM_002693.2(POLG):c.493_501del9(K165_P167del) is an in-frame deletion classified as a variant of uncertain significance in the context of POLG-related disorders. K165_P167del has not been observed in cases with relevant disease. Relevant functional assessments of this variant are not available in the literature. K165_P167del has not been observed in referenced population frequency databases. In summary, there is insufficient evidence to classify NM_002693.2(POLG):c.493_501del9(K165_P167del) as pathogenic or benign. Please note: this variant was assessed in the context of healthy population screening.

NM_002693.3(POLG):c.493_501del (p.Lys165_Pro167del)

Genes: POLG (DNA polymerase gamma, catalytic subunit; minus strand), POLGARF (POLG alternative reading frame; minus strand). Cytogenetic location: 15q26.1.
Variant type: Deletion.
Coding change: c.493_501del on transcript NM_002693.3 (MANE Select); coding-DNA positions 493 to 501, 9 bases deleted (AAGCCCCCG; older notation c.493_501delAAGCCCCCG).
Protein change: p.Lys165_Pro167del.
Molecular consequence: inframe deletion.
Genome position (GRCh38, 1-based): chr15:89,333,254-89,333,262, CGGGGGCTT deleted on the plus strand (AAGCCCCCG on the coding strand, the reverse complement: POLG is on the minus strand); deleting any 9 consecutive bases within chr15:89,333,254-89,333,269 gives the same sequence; the c. name uses the placement nearest the transcript's 3' end. VCF-style (leftmost placement, unchanged base first): chr15-89333253-CCGGGGGCTT-C. GRCh37 (hg19) VCF-style: chr15-89876484-CCGGGGGCTT-C.
Other names: c.548_556del, p.Glu183_Pro185del (NM_001430120.1); c.493_501del, p.Lys165_Pro167del (NM_001126131.2).
Identifiers: ClinVar variation 5004642 (VCV005004642.1).